The following is an entry in ClinVar:

NM_001903.5(CTNNA1):c.2434-2A>G

Gene: CTNNA1 (catenin alpha 1; plus strand). Cytogenetic location: 5q31.2.
Variant type: single nucleotide variant.
Coding change: c.2434-2A>G on transcript NM_001903.5 (MANE Select); the canonical splice acceptor site of the intron before coding-DNA position 2434, A replaced by G.
Molecular consequence: splice acceptor variant. On other transcripts: intron variant (1).
Genome position (GRCh38, 1-based): chr5:138,933,800, A>G. VCF-style: chr5-138933800-A-G. GRCh37 (hg19) VCF-style: chr5-138269489-A-G.
Other names: c.2434-2A>G (NM_001323982.2, NM_001323984.2, NM_001323983.1); c.2505-2A>G (NM_001290307.3); c.2434-29A>G (NM_001323985.2); c.2341-2A>G (NM_001323986.2); c.2065-2A>G (NM_001290310.3); c.2125-2A>G (NM_001290309.3); c.1324-2A>G (NM_001323996.1, NM_001323993.1, NM_001323998.1 and 12 more transcripts); c.1395-2A>G (NM_001324005.1, NM_001324003.1, NM_001324002.1 and 1 more transcripts); and 4 more.
Identifiers: ClinVar variation 2114573 (VCV002114573.4), dbSNP rs2533947512, ClinGen allele CA361134880.

ClinVar aggregate classification (germline): Uncertain significance (1 of 4 stars; one submission).

Submission:

Labcorp Genetics (formerly Invitae), Labcorp
Classification: Uncertain significance. Last evaluated: 2022-08-19. Review status: criteria provided, single submitter. Criteria: Invitae Variant Classification Sherloc (09022015). Collection method: clinical testing. Allele origin: germline.
Comment: This sequence change falls in intron 17 of the CTNNA1 gene. It does not directly change the encoded amino acid sequence of the CTNNA1 protein. It affects a nucleotide within the consensus splice site. This variant is not present in population databases (gnomAD no frequency). This variant has not been reported in the literature in individuals affected with CTNNA1-related conditions. Variants that disrupt the consensus splice site are a relatively common cause of aberrant splicing (PMID: 17576681, 9536098). Algorithms developed to predict the effect of sequence changes on RNA splicing suggest that this variant may disrupt the consensus splice site. In summary, the available evidence is currently insufficient to determine the role of this variant in disease. Therefore, it has been classified as a Variant of Uncertain Significance.

Literature cited by the submitters: PubMed 17576681; PubMed 9536098.